The following is an entry in ClinVar:

ClinVar aggregate classification (germline): Uncertain significance (1 of 4 stars; one submission).

Conditions:
Ullrich congenital muscular dystrophy 2 (UCMD2). Identifiers: Orphanet 75840, MedGen C4225314, MONDO:0014654, OMIM 616470.
Bethlem myopathy 2 (BTHLM2). Identifiers: Orphanet 536516, Orphanet 610, MedGen C4225313, MONDO:0034022, OMIM 616471.

Allele frequency attached by ClinVar (database versions not stated): gnomAD exomes below 0.00001.
gnomAD v4.1: 1 of 1,612,268 alleles (0.000062%); highest among the groups gnomAD compares: Non-Finnish European, 0.000085%; no homozygotes.

Submission:

Labcorp Genetics (formerly Invitae), Labcorp
Classification: Uncertain significance for Bethlem myopathy 2; Ullrich congenital muscular dystrophy 2. Last evaluated: 2025-11-11. Review status: criteria provided, single submitter. Criteria: Invitae Variant Classification Sherloc (09022015). Collection method: clinical testing. Allele origin: germline.
Comment: This sequence change replaces threonine, which is neutral and polar, with isoleucine, which is neutral and non-polar, at codon 2349 of the COL12A1 protein (p.Thr2349Ile). This variant is present in population databases (no rsID available, gnomAD 0.0009%). This variant has not been reported in the literature in individuals affected with COL12A1-related conditions. ClinVar contains an entry for this variant (Variation ID: 835786). Invitae Evidence Modeling of protein sequence and biophysical properties (such as structural, functional, and spatial information, amino acid conservation, physicochemical variation, residue mobility, and thermodynamic stability) indicates that this missense variant is not expected to disrupt COL12A1 protein function with a negative predictive value of 80%. In summary, the available evidence is currently insufficient to determine the role of this variant in disease. Therefore, it has been classified as a Variant of Uncertain Significance.

NM_004370.6(COL12A1):c.7046C>T (p.Thr2349Ile)

Gene: COL12A1 (collagen type XII alpha 1 chain; minus strand). Cytogenetic location: 6q13.
Variant type: single nucleotide variant.
Coding change: c.7046C>T on transcript NM_004370.6 (MANE Select); coding-DNA position 7046, C replaced by T.
Protein change: p.Thr2349Ile; replaces threonine 2349 with isoleucine.
Molecular consequence: missense variant.
Genome position (GRCh38, 1-based): chr6:75,121,342, G>A on the plus strand (C>T on the coding strand, the complement: COL12A1 is on the minus strand). VCF-style: chr6-75121342-G-A. GRCh37 (hg19) VCF-style: chr6-75831058-G-A.
Other names: c.3554C>T, p.Thr1185Ile (NM_080645.3); short protein forms T1185I, T2349I.
Identifiers: ClinVar variation 835786 (VCV000835786.10), dbSNP rs1231345150, ClinGen allele CA364749825.